The following is an entry in ClinVar:

ClinVar aggregate classification (germline): Uncertain significance. Review status: criteria provided, multiple submitters, no conflicts (2 of 4 stars). 2 submissions from 2 submitters: Uncertain significance (2). Last evaluated 2022-12-19.

Conditions:
Inborn genetic diseases. Identifiers: MedGen C0950123, MeSH D030342.
Mosaic variegated aneuploidy syndrome 1 (MVA1). Also called: Warburton-Anyane-Yeboa syndrome. Identifiers: Orphanet 1052, MedGen C1850343, MONDO:0009759, OMIM 257300.

Submissions (2):

Ambry Genetics
Classification: Uncertain significance for Inborn genetic diseases. Last evaluated: 2022-12-19. Review status: criteria provided, single submitter. Criteria: Ambry Variant Classification Scheme 2023. Collection method: clinical testing. Allele origin: germline.

Labcorp Genetics (formerly Invitae), Labcorp
Classification: Uncertain significance for Mosaic variegated aneuploidy syndrome 1. Last evaluated: 2020-03-05. Review status: criteria provided, single submitter. Criteria: Invitae Variant Classification Sherloc (09022015). Collection method: clinical testing. Allele origin: germline.
Comment: This sequence change replaces alanine with serine at codon 405 of the BUB1B protein (p.Ala405Ser). The alanine residue is moderately conserved and there is a moderate physicochemical difference between alanine and serine. This variant is not present in population databases (ExAC no frequency). This variant has not been reported in the literature in individuals with BUB1B-related conditions. Algorithms developed to predict the effect of missense changes on protein structure and function are either unavailable or do not agree on the potential impact of this missense change (SIFT: "Tolerated"; PolyPhen-2: "Possibly Damaging"; Align-GVGD: "Class C0"). In summary, the available evidence is currently insufficient to determine the role of this variant in disease. Therefore, it has been classified as a Variant of Uncertain Significance.

NM_001211.6(BUB1B):c.1213G>T (p.Ala405Ser)

Gene: BUB1B (BUB1 mitotic checkpoint serine/threonine kinase B; plus strand). Cytogenetic location: 15q15.1.
Variant type: single nucleotide variant.
Coding change: c.1213G>T on transcript NM_001211.6 (MANE Select); coding-DNA position 1213, G replaced by T.
Protein change: p.Ala405Ser; replaces alanine 405 with serine.
Molecular consequence: missense variant.
Genome position (GRCh38, 1-based): chr15:40,196,699, G>T. VCF-style: chr15-40196699-G-T. GRCh37 (hg19) VCF-style: chr15-40488900-G-T.
Other names: c.1213G>T (NM_001211.5); short protein forms A405S.
Identifiers: ClinVar variation 1037714 (VCV001037714.11), dbSNP rs1333792633, ClinGen allele CA391687448.